The following is an entry in ClinVar:

ClinVar aggregate classification (germline): Conflicting classifications of pathogenicity. Review status: criteria provided, conflicting classifications (1 of 4 stars). 2 submissions from 2 submitters: Uncertain significance (1); Likely benign (1). Last evaluated 2026-09-01.

gnomAD v4.1: 2 of 1,614,216 alleles (0.00012%); highest among the groups gnomAD compares: Admixed American, 0.0017%; no homozygotes.

Submissions (2):

CeGaT Center for Human Genetics Tuebingen
Classification: Uncertain significance. Last evaluated: 2026-09-01. Review status: criteria provided, single submitter. Criteria: CeGaT Center For Human Genetics Tuebingen Variant Classification Criteria Version 2. Collection method: clinical testing. Allele origin: germline. Affected: yes. Observed: 1 variant allele.
Comment: KAT6A: PM2

Labcorp Genetics (formerly Invitae), Labcorp
Classification: Likely benign. Last evaluated: 2025-10-06. Review status: criteria provided, single submitter. Criteria: Invitae Variant Classification Sherloc (09022015). Collection method: clinical testing. Allele origin: germline.

NM_006766.5(KAT6A):c.5511T>G (p.Ile1837Met)

Gene: KAT6A (lysine acetyltransferase 6A; minus strand). Cytogenetic location: 8p11.21.
Variant type: single nucleotide variant.
Coding change: c.5511T>G on transcript NM_006766.5 (MANE Select); coding-DNA position 5511, T replaced by G.
Protein change: p.Ile1837Met; replaces isoleucine 1837 with methionine.
Molecular consequence: missense variant.
Genome position (GRCh38, 1-based): chr8:41,932,709, A>C on the plus strand (T>G on the coding strand, the complement: KAT6A is on the minus strand). VCF-style: chr8-41932709-A-C. GRCh37 (hg19) VCF-style: chr8-41790227-A-C.
Other names: short protein forms I1837M.
Identifiers: ClinVar variation 3698950 (VCV003698950.3).